The following is an entry in ClinVar:

ClinVar aggregate classification (germline): Likely benign (1 of 4 stars; one submission).

gnomAD v4.1: 22 of 1,210,826 alleles (0.0018%); highest among the groups gnomAD compares: East Asian, 0.003%; no homozygotes.

Submission:

CeGaT Center for Human Genetics Tuebingen
Classification: Likely benign. Last evaluated: 2024-11-01. Review status: criteria provided, single submitter. Criteria: CeGaT Center For Human Genetics Tuebingen Variant Classification Criteria Version 2. Collection method: clinical testing. Allele origin: germline. Affected: yes. Observed: 1 variant allele.
Comment: BCORL1: BP4, BS2

NM_001379451.1(BCORL1):c.2593G>A (p.Val865Ile)

Gene: BCORL1 (BCL6 corepressor like 1; plus strand). Cytogenetic location: Xq26.1.
Variant type: single nucleotide variant.
Coding change: c.2593G>A on transcript NM_001379451.1 (MANE Select); coding-DNA position 2593, G replaced by A.
Protein change: p.Val865Ile; replaces valine 865 with isoleucine.
Molecular consequence: missense variant.
Genome position (GRCh38, 1-based): chrX:130,015,365, G>A. VCF-style: chrX-130015365-G-A. GRCh37 (hg19) VCF-style: chrX-129149341-G-A.
Other names: c.2593G>A, p.Val865Ile (NM_001184772.3, NM_001379450.1, NM_021946.5); short protein forms V865I.
Identifiers: ClinVar variation 3390045 (VCV003390045.14).